The following is an entry in ClinVar:

ClinVar aggregate classification (germline): Uncertain significance. Review status: criteria provided, multiple submitters, no conflicts (2 of 4 stars). 2 submissions from 2 submitters: Uncertain significance (2). Last evaluated 2025-08-27.

Conditions:
Congenital muscular dystrophy due to integrin alpha-7 deficiency. Also called: Congenital muscular dystrophy with integrin alpha-7 deficiency; Muscular dystrophy, congenital, due to ITGA7 deficiency; MYOPATHY, CONGENITAL, DUE TO INTEGRIN ALPHA-7 DEFICIENCY. Identifiers: Orphanet 34520, MedGen C2750786, MONDO:0013177, OMIM 613204.

Allele frequency attached by ClinVar (database versions not stated): TOPMed 0.00002.
gnomAD v4.1: 22 of 1,614,016 alleles (0.0014%); highest among the groups gnomAD compares: Admixed American, 0.0067%; no homozygotes.

Submissions (2):

Ambry Genetics
Classification: Uncertain significance. Last evaluated: 2025-08-27. Review status: criteria provided, single submitter. Criteria: Ambry Variant Classification Scheme 2023. Collection method: clinical testing. Allele origin: germline.

Labcorp Genetics (formerly Invitae), Labcorp
Classification: Uncertain significance for Congenital muscular dystrophy due to integrin alpha-7 deficiency. Last evaluated: 2024-02-24. Review status: criteria provided, single submitter. Criteria: Invitae Variant Classification Sherloc (09022015). Collection method: clinical testing. Allele origin: germline.
Comment: This sequence change replaces arginine, which is basic and polar, with histidine, which is basic and polar, at codon 315 of the ITGA7 protein (p.Arg315His). This variant is present in population databases (rs201994133, gnomAD 0.01%). This variant has not been reported in the literature in individuals affected with ITGA7-related conditions. ClinVar contains an entry for this variant (Variation ID: 947869). Advanced modeling of protein sequence and biophysical properties (such as structural, functional, and spatial information, amino acid conservation, physicochemical variation, residue mobility, and thermodynamic stability) has been performed at Invitae for this missense variant, however the output from this modeling did not meet the statistical confidence thresholds required to predict the impact of this variant on ITGA7 protein function. In summary, the available evidence is currently insufficient to determine the role of this variant in disease. Therefore, it has been classified as a Variant of Uncertain Significance.

NM_002206.3(ITGA7):c.944G>A (p.Arg315His)

Gene: ITGA7 (integrin subunit alpha 7; minus strand). Cytogenetic location: 12q13.2.
Variant type: single nucleotide variant.
Coding change: c.944G>A on transcript NM_002206.3 (MANE Select); coding-DNA position 944, G replaced by A.
Protein change: p.Arg315His; replaces arginine 315 with histidine.
Molecular consequence: missense variant. On other transcripts: 5 prime UTR variant (1).
Genome position (GRCh38, 1-based): chr12:55,698,764, C>T on the plus strand (G>A on the coding strand, the complement: ITGA7 is on the minus strand). VCF-style: chr12-55698764-C-T. GRCh37 (hg19) VCF-style: chr12-56092548-C-T.
Other names: c.956G>A, p.Arg319His (NM_001144996.2, NM_001414029.1, NM_001414030.1); c.665G>A, p.Arg222His (NM_001144997.2); c.617G>A, p.Arg206His (NM_001367993.1); c.-349G>A (NM_001367994.1); c.944G>A, p.Arg315His (NM_001374465.1, NM_001414031.1, NM_001414034.1); c.1076G>A, p.Arg359His (NM_001410977.1); c.824G>A, p.Arg275His (NM_001414032.1); c.761G>A, p.Arg254His (NM_001414033.1); and 1 more; short protein forms R315H, R319H, R206H, R222H, R359H, R275H, R202H, R254H.
Identifiers: ClinVar variation 947869 (VCV000947869.7), dbSNP rs201994133, ClinGen allele CA6616102.